The following is an entry in ClinVar:

NM_001098.3(ACO2):c.1954-15_1954-14delinsAA

Genes: ACO2 (aconitase 2; plus strand), POLR3H (RNA polymerase III subunit H; minus strand). Cytogenetic location: 22q13.2.
Variant type: Indel.
Coding change: c.1954-15_1954-14delinsAA on transcript NM_001098.3 (MANE Select); 15 bases into the intron before coding-DNA position 1954 through 14 bases into the intron before coding-DNA position 1954, CC replaced by AA.
Molecular consequence: intron variant. On other transcripts: 3 prime UTR variant (5).
Genome position (GRCh38, 1-based): chr22:41,527,273-41,527,274, CC replaced by AA. VCF-style: chr22-41527273-CC-AA. GRCh37 (hg19) VCF-style: chr22-41923277-CC-AA.
Other names: c.*2009_*2010delinsTT (NM_001018050.4, NM_001018052.4, NM_001282884.2 and 2 more transcripts).
Identifiers: ClinVar variation 2058788 (VCV002058788.5), dbSNP rs2518240556, ClinGen allele CA2580099871.
Genomic context (GRCh38, chr22:41,527,273, plus strand): 5'-CCAGGCAGGTAGGGCCAGACAGGTGAGGACGGTGCCCTCCTCTGCCTTATAACCTTACCC[CC>AA]GCTTGCCTGACAGAAACATGGCATCAGGTGGGTGGTGATCGGAGACGAGAACTACGGCGA-3'

ClinVar aggregate classification (germline): Uncertain significance. Review status: criteria provided, multiple submitters, no conflicts (2 of 4 stars). 2 submissions from 2 submitters: Uncertain significance (2). Last evaluated 2024-07-23.

Submissions (2):

Labcorp Genetics (formerly Invitae), Labcorp
Classification: Uncertain significance. Last evaluated: 2024-07-23. Review status: criteria provided, single submitter. Criteria: Invitae Variant Classification Sherloc (09022015). Collection method: clinical testing. Allele origin: germline.
Comment: This sequence change falls in intron 15 of the ACO2 gene. It does not directly change the encoded amino acid sequence of the ACO2 protein. Information on the frequency of this variant in the gnomAD database is not available, as this variant may be reported differently in the database. This variant has not been reported in the literature in individuals affected with ACO2-related conditions. ClinVar contains an entry for this variant (Variation ID: 2058788). Experimental studies and prediction algorithms are not available or were not evaluated, and the effect of this variant on mRNA splicing is currently unknown. In summary, the available evidence is currently insufficient to determine the role of this variant in disease. Therefore, it has been classified as a Variant of Uncertain Significance.

Blueprint Genetics
Classification: Uncertain significance. Last evaluated: 2021-09-27. Review status: criteria provided, single submitter. Criteria: ACMG Guidelines, 2015. Collection method: clinical testing. Allele origin: germline.